The following is an entry in ClinVar:

ClinVar aggregate classification (germline): Conflicting classifications of pathogenicity. Review status: criteria provided, conflicting classifications (1 of 4 stars). 7 submissions from 5 submitters: Uncertain significance (3); Likely benign (4). Last evaluated 2026-01-26.

Conditions:
Hereditary cancer-predisposing syndrome. Also called: Tumor predisposition; Hereditary neoplastic syndrome; Hereditary Cancer Syndrome; Neoplastic Syndromes, Hereditary. Identifiers: Orphanet 140162, MedGen C0027672, MeSH D009386, MONDO:0015356.
Hyperparathyroidism 2 with jaw tumors. Also called: HYPERPARATHYROIDISM, FAMILIAL PRIMARY, WITH MULTIPLE OSSIFYING JAW FIBROMAS; HYPERPARATHYROIDISM-JAW TUMOR SYNDROME, HEREDITARY; Hyperparathyroidism 2; Hyperparathyroidism-Jaw Tumor Syndrome. Identifiers: Orphanet 99880, MedGen C1704981, MONDO:0007768, OMIM 145001.
Parathyroid carcinoma (PRTC). Also called: Parathyroid gland carcinoma; CDC73-Related Parathyroid Carcinoma. Identifiers: Orphanet 143, MedGen C0687150, MONDO:0012004, OMIM 608266, HP:0006780.
Hyperparathyroidism 1 (HRPT1). Also called: HYPERPARATHYROIDISM, FAMILIAL ISOLATED PRIMARY. Identifiers: Orphanet 99879, MedGen C1840402, MONDO:0007767, OMIM 145000.

Allele frequency attached by ClinVar (database versions not stated): TOPMed 0.00003; ESP Exome Variant Server 0.00008; gnomAD 0.00001 and 0.00002; gnomAD exomes 0.00001 and 0.00002; ExAC 0.00002.
gnomAD v4.1: 19 of 1,613,572 alleles (0.0012%); highest among the groups gnomAD compares: Middle Eastern, 0.033%; no homozygotes.

Submissions (7):

Labcorp Genetics (formerly Invitae), Labcorp
Classification: Likely benign for Parathyroid carcinoma. Last evaluated: 2026-01-26. Review status: criteria provided, single submitter. Criteria: Invitae Variant Classification Sherloc (09022015). Collection method: clinical testing. Allele origin: germline.

CeGaT Center for Human Genetics Tuebingen
Classification: Likely benign. Last evaluated: 2024-09-01. Review status: criteria provided, single submitter. Criteria: CeGaT Center For Human Genetics Tuebingen Variant Classification Criteria Version 2. Collection method: clinical testing. Allele origin: germline. Affected: yes. Observed: 2 variant alleles.
Comment: CDC73: BP4, BP7

KCCC/NGS Laboratory, Kuwait Cancer Control Center
Classification: Likely benign for Hyperparathyroidism 2 with jaw tumors. Last evaluated: 2023-07-07. Review status: criteria provided, single submitter. Criteria: ACMG Guidelines, 2015. Collection method: clinical testing. Allele origin: germline. Affected: yes.

Ambry Genetics
Classification: Likely benign for Hereditary cancer-predisposing syndrome. Last evaluated: 2019-03-27. Review status: criteria provided, single submitter. Criteria: Ambry Variant Classification Scheme 2023. Collection method: clinical testing. Allele origin: germline.

Illumina Laboratory Services, Illumina
Classification: Uncertain significance for Hyperparathyroidism 1. Last evaluated: 2018-01-13. Review status: criteria provided, single submitter. Criteria: ICSL Variant Classification Criteria 13 December 2019. Collection method: clinical testing. Allele origin: germline.

Illumina Laboratory Services, Illumina
Classification: Uncertain significance for Hyperparathyroidism 2 with jaw tumors. Last evaluated: 2018-01-13. Review status: criteria provided, single submitter. Criteria: ICSL Variant Classification Criteria 13 December 2019. Collection method: clinical testing. Allele origin: germline.

Illumina Laboratory Services, Illumina
Classification: Uncertain significance for Parathyroid carcinoma. Last evaluated: 2018-01-13. Review status: criteria provided, single submitter. Criteria: ICSL Variant Classification Criteria 13 December 2019. Collection method: clinical testing. Allele origin: germline.

NM_024529.5(CDC73):c.1011C>T (p.Ala337=)

Gene: CDC73 (cell division cycle 73; plus strand). Cytogenetic location: 1q31.2.
Variant type: single nucleotide variant.
Coding change: c.1011C>T on transcript NM_024529.5 (MANE Select); coding-DNA position 1011, C replaced by T.
Protein change: p.Ala337=; no amino-acid change (alanine 337 retained).
Molecular consequence: synonymous variant.
Genome position (GRCh38, 1-based): chr1:193,203,833, C>T. VCF-style: chr1-193203833-C-T. GRCh37 (hg19) VCF-style: chr1-193172963-C-T.
Identifiers: ClinVar variation 412622 (VCV000412622.46), dbSNP rs372567546, ClinGen allele CA1303712.